The following is an entry in ClinVar:

ClinVar aggregate classification (germline): Conflicting classifications of pathogenicity. Review status: criteria provided, conflicting classifications (1 of 4 stars). 14 submissions from 10 submitters: Uncertain significance (5); Benign (3); Likely benign (6). Last evaluated 2026-04-01.

Conditions:
Dilated cardiomyopathy 1G (CMD1G). Identifiers: Orphanet 154, MedGen C1858763, MONDO:0011400, OMIM 604145.
Autosomal recessive limb-girdle muscular dystrophy type 2J (LGMDR10). Also called: MUSCULAR DYSTROPHY, LIMB-GIRDLE, AUTOSOMAL RECESSIVE 10; Limb-girdle muscular dystrophy, type 2J. Identifiers: Orphanet 140922, MedGen C1837342, MONDO:0012127, OMIM 608807.
Cardiovascular phenotype. Identifiers: MedGen CN230736.
Myopathy, myofibrillar, 9, with early respiratory failure (MFM9). Also called: Hereditary myopathy with early respiratory failure; EDSTROM MYOPATHY; Myopathy, distal, with early respiratory failure, autosomal dominant; MYOPATHY, PROXIMAL, WITH EARLY RESPIRATORY MUSCLE INVOLVEMENT. Identifiers: Orphanet 178464, Orphanet 34521, MedGen C1863599, MONDO:0011362, OMIM 603689.
Early-onset myopathy with fatal cardiomyopathy (CMYO5). Also called: CONGENITAL MYOPATHY 5 WITH CARDIOMYOPATHY; Salih Myopathy. Identifiers: Orphanet 289377, MedGen C2673677, MONDO:0012714, OMIM 611705. Disease mechanism: loss of function.
Tibial muscular dystrophy (TMD). Also called: Udd Distal Myopathy – Tibial Muscular Dystrophy; Tibial muscular dystrophy, tardive; UDD MYOPATHY. Identifiers: Orphanet 609, MedGen C1838244, MONDO:0010870, OMIM 600334.

Allele frequency attached by ClinVar (database versions not stated): gnomAD 0.00019; ExAC 0.00027; TOPMed 0.00018; ESP Exome Variant Server 0.00025; gnomAD exomes 0.00033.
gnomAD v4.1: 267 of 1,613,166 alleles (0.017%); highest among the groups gnomAD compares: Admixed American, 0.005%; 3 homozygotes.

Submissions (14):

CeGaT Center for Human Genetics Tuebingen
Classification: Likely benign. Last evaluated: 2026-04-01. Review status: criteria provided, single submitter. Criteria: CeGaT Center For Human Genetics Tuebingen Variant Classification Criteria Version 2. Collection method: clinical testing. Allele origin: germline. Affected: yes. Observed: 9 variant alleles.
Comment: TTN: BS1

Women's Health and Genetics/Laboratory Corporation of America, LabCorp
Classification: Likely benign. Last evaluated: 2024-10-07. Review status: criteria provided, single submitter. Criteria: LabCorp Variant Classification Summary - May 2015. Collection method: clinical testing. Allele origin: germline.
Comment: Variant summary: TTN c.60733G>A (p.Glu20245Lys) results in a conservative amino acid change located in the A-Band of the encoded protein sequence. Three of five in-silico tools predict a damaging effect of the variant on protein function. The variant allele was found at a frequency of 0.00017 in 1613166 control chromosomes in the gnomAD database (v4), including 3 homozygotes. This frequency is not significantly higher than estimated for a pathogenic variant in TTN causing Cardiomyopathy (0.00017 vs 0.00063), allowing no conclusion about variant significance. To our knowledge, no occurrence of c.60733G>A in individuals affected with Cardiomyopathy and no experimental evidence demonstrating its impact on protein function have been reported. ClinVar contains an entry for this variant (Variation ID: 178196). Based on the evidence outlined above, the variant was classified as likely benign.

Blueprint Genetics
Classification: Likely benign. Last evaluated: 2024-04-29. Review status: criteria provided, single submitter. Criteria: ACMG Guidelines, 2015. Collection method: clinical testing. Allele origin: germline.

GeneDx
Classification: Likely benign. Last evaluated: 2020-10-01. Review status: criteria provided, single submitter. Criteria: GeneDx Variant Classification Process June 2021. Collection method: clinical testing. Allele origin: germline. Affected: yes.

Laboratory for Molecular Medicine, Mass General Brigham Personalized Medicine
Classification: Likely benign. Last evaluated: 2017-12-06. Review status: criteria provided, single submitter. Criteria: LMM Criteria. Collection method: clinical testing. Allele origin: germline. Observed: 2 variant alleles.
Comment: proposed classification - variant undergoing re-assessment, contact laboratory

Illumina Laboratory Services, Illumina
Classification: Benign for Myopathy, myofibrillar, 9, with early respiratory failure. Last evaluated: 2017-11-07. Review status: criteria provided, single submitter. Criteria: ICSL Variant Classification Criteria 13 December 2019. Collection method: clinical testing. Allele origin: germline.
Comment: This variant was observed as part of a predisposition screen in an ostensibly healthy population. A literature search was performed for the gene, cDNA change, and amino acid change (where applicable). Publications were found based on this search. The evidence from the literature, in combination with allele frequency data from public databases where available, was sufficient to rule this variant out of causing disease. Therefore, this variant is classified as benign.

Illumina Laboratory Services, Illumina
Classification: Benign for Tibial muscular dystrophy. Last evaluated: 2017-11-07. Review status: criteria provided, single submitter. Criteria: ICSL Variant Classification Criteria 13 December 2019. Collection method: clinical testing. Allele origin: germline.
Comment: the same text as in the submission from Illumina Laboratory Services, Illumina above.

Illumina Laboratory Services, Illumina
Classification: Likely benign for Dilated cardiomyopathy 1G. Last evaluated: 2017-11-07. Review status: criteria provided, single submitter. Criteria: ICSL Variant Classification Criteria 13 December 2019. Collection method: clinical testing. Allele origin: germline.
Comment: This variant was observed as part of a predisposition screen in an ostensibly healthy population. A literature search was performed for the gene, cDNA change, and amino acid change (where applicable). Publications were found based on this search. The evidence from the literature, in combination with allele frequency data from public databases where available, was sufficient to determine this variant is unlikely to cause disease. Therefore, this variant is classified as likely benign.

Illumina Laboratory Services, Illumina
Classification: Uncertain significance for Autosomal recessive limb-girdle muscular dystrophy type 2J. Last evaluated: 2017-11-07. Review status: criteria provided, single submitter. Criteria: ICSL Variant Classification Criteria 13 December 2019. Collection method: clinical testing. Allele origin: germline.
Comment: This variant was observed as part of a predisposition screen in an ostensibly healthy population. A literature search was performed for the gene, cDNA change, and amino acid change (where applicable). Publications were found based on this search. However, the evidence from the literature, in combination with allele frequency data from public databases where available, was not sufficient to rule this variant in or out of causing disease. Therefore, this variant is classified as a variant of unknown significance.

Illumina Laboratory Services, Illumina
Classification: Uncertain significance for Early-onset myopathy with fatal cardiomyopathy. Last evaluated: 2017-11-07. Review status: criteria provided, single submitter. Criteria: ICSL Variant Classification Criteria 13 December 2019. Collection method: clinical testing. Allele origin: germline.
Comment: the same text as in the submission from Illumina Laboratory Services, Illumina above.

Labcorp Genetics (formerly Invitae), Labcorp
Classification: Uncertain significance for Dilated cardiomyopathy 1G; Autosomal recessive limb-girdle muscular dystrophy type 2J. Last evaluated: 2017-03-15. Review status: criteria provided, single submitter. Criteria: Invitae Variant Classification Sherloc (09022015). Collection method: clinical testing. Allele origin: germline.

Eurofins Ntd Llc (ga)
Classification: Benign. Last evaluated: 2017-01-03. Review status: criteria provided, single submitter. Criteria: EGL Classification Definitions 2015. Collection method: clinical testing. Allele origin: germline. Observed: 2 variant alleles, 2 heterozygotes.

Biesecker Lab/Clinical Genomics Section, National Institutes of Health
Classification: Uncertain significance. Last evaluated: 2013-06-24. Review status: criteria provided, single submitter. Criteria: Ng et al. (Circ Cardiovasc Genet. 2013). Collection method: research. Allele origin: unknown. Observed: 1 variant allele. Study: ClinSeq.
Comment: The study set was not selected for affection status in relation to any cancer. Pathogenicity categories were based on literature curation. See Pubmed ID:23861362 for details.

Medical sequencing

Ambry Genetics
Classification: Uncertain significance for Cardiovascular phenotype. Last evaluated: 2013-01-06. Review status: criteria provided, single submitter. Criteria: Ambry Autosomal Dominant and X-Linked criteria (10/2015). Collection method: clinical testing. Allele origin: germline. Observed: 1 variant allele.
Comment: There is insufficient or conflicting evidence for classification of this alteration.

Literature cited by the submitters: PubMed 23861362 (cited by Laboratory for Molecular Medicine, Mass General Brigham Personalized Medicine and Illumina Laboratory Services, Illumina).

NM_001267550.2(TTN):c.68437G>A (p.Glu22813Lys)

Genes: TTN (titin; minus strand), TTN-AS1 (TTN antisense RNA 1; plus strand). Cytogenetic location: 2q31.2.
Variant type: single nucleotide variant.
Coding change: c.68437G>A on transcript NM_001267550.2 (MANE Select); coding-DNA position 68437, G replaced by A.
Protein change: p.Glu22813Lys; replaces glutamic acid 22813 with lysine.
Molecular consequence: missense variant.
Genome position (GRCh38, 1-based): chr2:178,578,078, C>T on the plus strand (G>A on the coding strand, the complement: TTN is on the minus strand). VCF-style: chr2-178578078-C-T. GRCh37 (hg19) VCF-style: chr2-179442805-C-T.
Other names: p.E21172K:GAA>AAA; c.63514G>A, p.Glu21172Lys (NM_001256850.1); c.41242G>A, p.Glu13748Lys (NM_003319.4); c.60733G>A, p.Glu20245Lys (NM_133378.4); c.41617G>A, p.Glu13873Lys (NM_133432.3); c.41818G>A, p.Glu13940Lys (NM_133437.4); short protein forms E20245K, E22813K, E21172K, E13748K, E13873K, E13940K.
Identifiers: ClinVar variation 178196 (VCV000178196.60), dbSNP rs200797552, ClinGen allele CA181741.